The following is an entry in ClinVar:

NM_000554.6(CRX):c.794A>T (p.Asp265Val)

Gene: CRX (cone-rod homeobox; plus strand). Cytogenetic location: 19q13.33.
Variant type: single nucleotide variant.
Coding change: c.794A>T on transcript NM_000554.6 (MANE Select); coding-DNA position 794, A replaced by T.
Protein change: p.Asp265Val; replaces aspartic acid 265 with valine.
Molecular consequence: missense variant.
Genome position (GRCh38, 1-based): chr19:47,839,861, A>T. VCF-style: chr19-47839861-A-T. GRCh37 (hg19) VCF-style: chr19-48343118-A-T.
Other names: short protein forms D265V.
Identifiers: ClinVar variation 1056999 (VCV001056999.9), dbSNP rs2123743660, ClinGen allele CA406631805.

ClinVar aggregate classification (germline): Uncertain significance (1 of 4 stars; one submission).

Conditions:
Cone-rod dystrophy 2 (CORD2). Also called: CONE-ROD RETINAL DYSTROPHY; Cone-rod retinal dystrophy 2. Identifiers: Orphanet 1872, MedGen C3489532, MONDO:0007362, OMIM 120970.
Leber congenital amaurosis 7 (LCA7). Identifiers: Orphanet 65, MedGen C3151192, MONDO:0013449, OMIM 613829.

Submission:

Labcorp Genetics (formerly Invitae), Labcorp
Classification: Uncertain significance for Cone-rod dystrophy 2; Leber congenital amaurosis 7. Last evaluated: 2026-01-07. Review status: criteria provided, single submitter. Criteria: Invitae Variant Classification Sherloc (09022015). Collection method: clinical testing. Allele origin: germline.
Comment: This sequence change replaces aspartic acid, which is acidic and polar, with valine, which is neutral and non-polar, at codon 265 of the CRX protein (p.Asp265Val). This variant is not present in population databases (gnomAD no frequency). This missense change has been observed in individual(s) with CRX-related conditions (internal data). ClinVar contains an entry for this variant (Variation ID: 1056999). Invitae Evidence Modeling of protein sequence and biophysical properties (such as structural, functional, and spatial information, amino acid conservation, physicochemical variation, residue mobility, and thermodynamic stability) has been performed for this missense variant. However, the output from this modeling did not meet the statistical confidence thresholds required to predict the impact of this variant on CRX protein function. This variant disrupts the p.Asp265 amino acid residue in CRX. Other variant(s) that disrupt this residue have been observed in individuals with CRX-related conditions (PMID: 31816670), which suggests that this may be a clinically significant amino acid residue. In summary, the available evidence is currently insufficient to determine the role of this variant in disease. Therefore, it has been classified as a Variant of Uncertain Significance.

Literature cited by the submitters: PubMed 31816670.